The following is an entry in ClinVar:

ClinVar aggregate classification (germline): Conflicting classifications of pathogenicity. Review status: criteria provided, conflicting classifications (1 of 4 stars). 4 submissions from 4 submitters: Uncertain significance (3); Likely benign (1). Last evaluated 2025-11-10.

Conditions:
Hereditary cancer-predisposing syndrome. Also called: Neoplastic Syndromes, Hereditary; Tumor predisposition; Hereditary Cancer Syndrome; Hereditary neoplastic syndrome. Identifiers: Orphanet 140162, MedGen C0027672, MeSH D009386, MONDO:0015356.
Nijmegen breakage syndrome-like disorder (NBSLD). Also called: MICROCEPHALY AND SPONTANEOUS CHROMOSOME INSTABILITY WITHOUT IMMUNODEFICIENCY; NBS-LIKE DISORDER; RAD50 DEFICIENCY. Identifiers: Orphanet 240760, MedGen C2751318, MONDO:0013118, OMIM 613078.

Allele frequency attached by ClinVar (database versions not stated): gnomAD exomes below 0.00001 and 0.00001; gnomAD 0.00001; TOPMed 0.00002.
gnomAD v4.1: 8 of 1,592,528 alleles (0.0005%); highest among the groups gnomAD compares: African/African-American, 0.0013%; no homozygotes.

Submissions (4):

Labcorp Genetics (formerly Invitae), Labcorp
Classification: Uncertain significance for Hereditary cancer-predisposing syndrome. Last evaluated: 2025-11-10. Review status: criteria provided, single submitter. Criteria: Invitae Variant Classification Sherloc (09022015). Collection method: clinical testing. Allele origin: germline.
Comment: This sequence change replaces asparagine, which is neutral and polar, with aspartic acid, which is acidic and polar, at codon 1021 of the RAD50 protein (p.Asn1021Asp). This variant is present in population databases (rs786202957, gnomAD 0.002%). This variant has not been reported in the literature in individuals affected with RAD50-related conditions. ClinVar contains an entry for this variant (Variation ID: 186445). Invitae Evidence Modeling of protein sequence and biophysical properties (such as structural, functional, and spatial information, amino acid conservation, physicochemical variation, residue mobility, and thermodynamic stability) indicates that this missense variant is expected to disrupt RAD50 protein function with a positive predictive value of 80%. In summary, the available evidence is currently insufficient to determine the role of this variant in disease. Therefore, it has been classified as a Variant of Uncertain Significance.

Quest Diagnostics Nichols Institute San Juan Capistrano
Classification: Uncertain significance. Last evaluated: 2025-09-05. Review status: criteria provided, single submitter. Criteria: Quest Diagnostics criteria. Collection method: clinical testing. Allele origin: unknown.
Comment: The RAD50 c.3061A>G (p.Asn1021Asp) variant has been observed in the published literature in a reportedly unaffected individual, in a large scale breast cancer association study (PMID: 33471991 (2021), see also LOVD). The frequency of this variant in the general population (Genome Aggregation Database) is uninformative in the assessment of its pathogenicity. Analysis of this variant using bioinformatics tools for the prediction of the effect of amino acid changes on protein structure and function yielded conflicting predictions that this variant is benign or damaging. Based on the available information, we are unable to determine the clinical significance of this variant.

Ambry Genetics
Classification: Likely benign for Hereditary cancer-predisposing syndrome. Last evaluated: 2024-05-24. Review status: criteria provided, single submitter. Criteria: Ambry Variant Classification Scheme 2023. Collection method: clinical testing. Allele origin: germline.

Sema4
Classification: Uncertain significance for Nijmegen breakage syndrome-like disorder. Last evaluated: 2021-10-15. Review status: criteria provided, single submitter. Criteria: Sema4 Curation Guidelines. Collection method: curation. Allele origin: germline.
Comment: To the best of our knowledge, the RAD50 c.3061A>G (p.N1021D) variant has not been reported in individuals with RAD50-related disease. It was observed in 2/113530 chromosomes of the Non-Finnish European subpopulation in the large and broad cohorts of the Genome Aggregation Database (PMID: 32461654). The variant has been reported in ClinVar (Variation ID: 186445). Functional studies have not been performed, and in silico predictions of the variant's effect on protein function are inconclusive. The evidence is insufficient to meet ACMG/AMP criteria for classifying the variant as benign or pathogenic. Thus, the clinical significance of this variant is currently uncertain.

Literature cited by the submitters: PubMed 33471991 (cited by Quest Diagnostics Nichols Institute San Juan Capistrano).

NM_005732.4(RAD50):c.3061A>G (p.Asn1021Asp)

Gene: RAD50 (RAD50 double strand break repair protein; plus strand). Cytogenetic location: 5q31.1.
Variant type: single nucleotide variant.
Coding change: c.3061A>G on transcript NM_005732.4 (MANE Select); coding-DNA position 3061, A replaced by G.
Protein change: p.Asn1021Asp; replaces asparagine 1021 with aspartic acid.
Molecular consequence: missense variant.
Genome position (GRCh38, 1-based): chr5:132,616,027, A>G. VCF-style: chr5-132616027-A-G. GRCh37 (hg19) VCF-style: chr5-131951719-A-G.
Other names: short protein forms N1021D.
Identifiers: ClinVar variation 186445 (VCV000186445.17), dbSNP rs786202957, ClinGen allele CA333896.